The following is an entry in ClinVar:

NM_032237.5(POMK):c.-209-1_-207del

Gene: POMK (protein O-mannose kinase; plus strand). Cytogenetic location: 8p11.21.
Variant type: Deletion.
Coding change: c.-209-1_-207del on transcript NM_032237.5 (MANE Select); the canonical splice acceptor site of the intron before 209 bases upstream of the start codon through 207 bases upstream of the start codon, 4 bases deleted (GAAA; older notation c.-209-1_-207delGAAA).
Molecular consequence: splice acceptor variant.
Genome position (GRCh38, 1-based): chr8:43,097,523-43,097,526, GAAA deleted; deleting any 4 consecutive bases within chr8:43,097,520-43,097,526 gives the same sequence; the c. name uses the placement nearest the transcript's 3' end. VCF-style (leftmost placement, unchanged base first): chr8-43097519-TAAAG-T. GRCh37 (hg19) VCF-style: chr8-42952662-TAAAG-T.
Other names: c.-113-1_-111del (NM_001277971.2); c.-209-4_-209-1delAAAG (NM_032237.4).
Identifiers: ClinVar variation 420190 (VCV000420190.3), dbSNP rs149140769, ClinGen allele CA16618644.

ClinVar aggregate classification (germline): Benign. Review status: criteria provided, single submitter (1 of 4 stars). 2 submissions from 1 submitter: Benign (1). 1 of the submissions does not count toward it. Last evaluated 2016-05-23.

Submissions (2):

GeneDx
Classification: Benign. Last evaluated: 2016-05-23. Review status: criteria provided, single submitter. Criteria: GeneDx Variant Classification Process June 2021. Collection method: clinical testing. Allele origin: germline. Affected: yes.

GeneDx
Classification: Benign. Last evaluated: 2016-11-28. Review status: flagged submission. Criteria: GeneDx Variant Classification (06012015). Collection method: clinical testing. Allele origin: germline. Affected: yes. Not counted in ClinVar's aggregate classification.
Comment: This variant is considered likely benign or benign based on one or more of the following criteria: it is a conservative change, it occurs at a poorly conserved position in the protein, it is predicted to be benign by multiple in silico algorithms, and/or has population frequency not consistent with disease.
ClinVar note: Reason: This record appears to be redundant with a more recent record from the same submitter.
ClinVar note: Notes: SCV000568888 appears to be redundant with SCV001884560.